The following is an entry in ClinVar:

ClinVar aggregate classification (germline): Pathogenic. Review status: criteria provided, multiple submitters, no conflicts (2 of 4 stars). 3 submissions from 3 submitters: Pathogenic (3). Last evaluated 2025-03-25.

Conditions:
Ornithine aminotransferase deficiency (GACR). Also called: Ornithine ketoacid aminotransferase deficiency; Gyrate atrophy; Gyrate atrophy of choroid and retina; Girate atrophy of the retina; HYPERORNITHINEMIA WITH GYRATE ATROPHY OF CHOROID AND RETINA; OAT DEFICIENCY. Identifiers: Orphanet 414, MedGen C0018425, MONDO:0009796, OMIM 258870.
Hyperornithinemia. Also called: Ornithinemia. Identifiers: MedGen C0599035, HP:0012026.

Allele frequency attached by ClinVar (database versions not stated): gnomAD exomes below 0.00001.

Submissions (3):

Labcorp Genetics (formerly Invitae), Labcorp
Classification: Pathogenic for Ornithine aminotransferase deficiency. Last evaluated: 2025-03-25. Review status: criteria provided, single submitter. Criteria: Invitae Variant Classification Sherloc (09022015). Collection method: clinical testing. Allele origin: germline.
Comment: This sequence change affects the initiator methionine of the OAT mRNA. The next in-frame methionine is located at codon 139. This variant is present in population databases (no rsID available, gnomAD 0.0009%). Disruption of the initiator codon has been observed in individual(s) with gyrate atrophy (PMID: 3339136). It has also been observed to segregate with disease in related individuals. ClinVar contains an entry for this variant (Variation ID: 1072790). Algorithms developed to predict the effect of variants on gene product structure and function are not available or were not evaluated for this variant. Experimental studies have shown that disruption of the initiator codon affects OAT function (PMID: 1737786). For these reasons, this variant has been classified as Pathogenic.

Women's Health and Genetics/Laboratory Corporation of America, LabCorp
Classification: Pathogenic for Hyperornithinemia. Last evaluated: 2024-11-01. Review status: criteria provided, single submitter. Criteria: LabCorp Variant Classification Summary - May 2015. Collection method: clinical testing. Allele origin: germline.
Comment: Variant summary: OAT c.1A>G (p.Met1Val) alters the initiation codon and is predicted to result either in absence of the protein or truncation of the encoded protein due to translation initiation at a downstream codon. Experimental studies have shown that disruption of the initiator codon affects OAT function (PMID: 1737786) and other variant impacting the initiation codon have been reported in individuals affected with Gyrate atrophy supporting a critical relevance to OAT function. The variant allele was found at a frequency of 4e-06 in 249374 control chromosomes. c.1A>G has been reported in the literature in individuals affected with Ornithine Aminotransferase Deficiency (example, Hanany_2020 and Balfoort_2024). These data indicate that the variant is likely to be associated with disease. ClinVar contains an entry for this variant (Variation ID: 1072790). The following publications have been ascertained in the context of this evaluation (PMID: 38847892, 31964843). Based on the evidence outlined above, the variant was classified as pathogenic.

Kariminejad - Najmabadi Pathology & Genetics Center
Classification: Pathogenic for Ornithine aminotransferase deficiency. Review status: criteria provided, single submitter. Criteria: ACMG Guidelines, 2015. Collection method: clinical testing. Allele origin: germline. Affected: no.

Literature cited by the submitters: PubMed 3339136 (cited by Labcorp Genetics (formerly Invitae), Labcorp); PubMed 1737786 (cited by Labcorp Genetics (formerly Invitae), Labcorp); PubMed 31964843 (cited by Women's Health and Genetics/Laboratory Corporation of America, LabCorp); PubMed 38847892 (cited by Women's Health and Genetics/Laboratory Corporation of America, LabCorp).

NM_000274.4(OAT):c.1A>G (p.Met1Val)

Gene: OAT (ornithine aminotransferase; minus strand). Cytogenetic location: 10q26.13.
Variant type: single nucleotide variant.
Coding change: c.1A>G on transcript NM_000274.4 (MANE Select); coding-DNA position 1, A replaced by G.
Protein change: p.Met1Val; changes the start codon (methionine 1).
Molecular consequence: missense variant, initiator codon variant. On other transcripts: intron variant (2).
Genome position (GRCh38, 1-based): chr10:124,412,171, T>C on the plus strand (A>G on the coding strand, the complement: OAT is on the minus strand). VCF-style: chr10-124412171-T-C. GRCh37 (hg19) VCF-style: chr10-126100740-T-C.
Other names: c.1A>G, p.Met1Val (NM_001322965.2, NM_001322966.2, NM_001322967.2 and 4 more transcripts); c.-215-3206A>G (NM_001171814.2); c.-515-3206A>G (NM_001322974.2); short protein forms M1V.
Identifiers: ClinVar variation 1072790 (VCV001072790.10), dbSNP rs1283361732, ClinGen allele CA378638384.